The following is an entry in ClinVar:

NM_144631.6(ZNF513):c.293A>C (p.Glu98Ala)

Gene: ZNF513 (zinc finger protein 513; minus strand). Cytogenetic location: 2p23.3.
Variant type: single nucleotide variant.
Coding change: c.293A>C on transcript NM_144631.6 (MANE Select); coding-DNA position 293, A replaced by C.
Protein change: p.Glu98Ala; replaces glutamic acid 98 with alanine.
Molecular consequence: missense variant.
Genome position (GRCh38, 1-based): chr2:27,378,973, T>G on the plus strand (A>C on the coding strand, the complement: ZNF513 is on the minus strand). VCF-style: chr2-27378973-T-G. GRCh37 (hg19) VCF-style: chr2-27601840-T-G.
Other names: c.107A>C, p.Glu36Ala (NM_001201459.2); short protein forms E98A, E36A.
Identifiers: ClinVar variation 3659548 (VCV003659548.2).
Genomic context (GRCh38, chr2:27,378,973, plus strand): 5'-GGGCCTGGCCTCTCACCCCTGGCCTCCCCTGGACCCCTGGCTGGCTCCTCAACTTCACTC[T>G]CCGCACTTAGTGCCCGGCCGCCCCCAGACTCATCGTCGCTCAGCCCATAGGGAAGCCCAG-3'
Protein context (NP_653232.3, residues 88-108): ESGGGRALSA[Glu98Ala]SEVEEPARGP

ClinVar aggregate classification (germline): Uncertain significance (1 of 4 stars; one submission).

Submission:

Labcorp Genetics (formerly Invitae), Labcorp
Classification: Uncertain significance. Last evaluated: 2024-09-27. Review status: criteria provided, single submitter. Criteria: Invitae Variant Classification Sherloc (09022015). Collection method: clinical testing. Allele origin: germline.
Comment: This sequence change replaces glutamic acid, which is acidic and polar, with alanine, which is neutral and non-polar, at codon 98 of the ZNF513 protein (p.Glu98Ala). This variant is not present in population databases (gnomAD no frequency). This variant has not been reported in the literature in individuals affected with ZNF513-related conditions. An algorithm developed to predict the effect of missense changes on protein structure and function (PolyPhen-2) suggests that this variant is likely to be tolerated. In summary, the available evidence is currently insufficient to determine the role of this variant in disease. Therefore, it has been classified as a Variant of Uncertain Significance.